The following is an entry in ClinVar:

NM_002772.3(TMPRSS15):c.2438C>T (p.Ser813Phe)

Gene: TMPRSS15 (transmembrane serine protease 15; minus strand). Cytogenetic location: 21q21.1.
Variant type: single nucleotide variant.
Coding change: c.2438C>T on transcript NM_002772.3 (MANE Select); coding-DNA position 2438, C replaced by T.
Protein change: p.Ser813Phe; replaces serine 813 with phenylalanine.
Molecular consequence: missense variant.
Genome position (GRCh38, 1-based): chr21:18,294,318, G>A on the plus strand (C>T on the coding strand, the complement: TMPRSS15 is on the minus strand). VCF-style: chr21-18294318-G-A. GRCh37 (hg19) VCF-style: chr21-19666635-G-A.
Other names: c.2438C>T (NM_002772.2); short protein forms S813F.
Identifiers: ClinVar variation 2100279 (VCV002100279.5), dbSNP rs2146899021, ClinGen allele CA409848337.

ClinVar aggregate classification (germline): Uncertain significance. Review status: criteria provided, multiple submitters, no conflicts (2 of 4 stars). 2 submissions from 2 submitters: Uncertain significance (2). Last evaluated 2023-03-14.

Conditions:
TMPRSS15-related disorder. Also called: TMPRSS15-related condition.

Allele frequency attached by ClinVar (database versions not stated): gnomAD exomes below 0.00001.
gnomAD v4.1: 3 of 1,614,220 alleles (0.00019%); highest among the groups gnomAD compares: East Asian, 0.0022%; no homozygotes.

Submissions (2):

PreventionGenetics, part of Exact Sciences
Classification: Uncertain significance for TMPRSS15-related condition. Last evaluated: 2023-03-14. Review status: criteria provided, single submitter. Criteria: ACMG Guidelines, 2015. Collection method: clinical testing. Allele origin: germline.
Comment: The TMPRSS15 c.2438C>T variant is predicted to result in the amino acid substitution p.Ser813Phe. To our knowledge, this variant has not been reported in the literature or in a large population database, indicating this variant is rare. At this time, the clinical significance of this variant is uncertain due to the absence of conclusive functional and genetic evidence.

Labcorp Genetics (formerly Invitae), Labcorp
Classification: Uncertain significance. Last evaluated: 2022-06-24. Review status: criteria provided, single submitter. Criteria: Invitae Variant Classification Sherloc (09022015). Collection method: clinical testing. Allele origin: germline.
Comment: In summary, the available evidence is currently insufficient to determine the role of this variant in disease. Therefore, it has been classified as a Variant of Uncertain Significance. Algorithms developed to predict the effect of missense changes on protein structure and function are either unavailable or do not agree on the potential impact of this missense change (SIFT: "Not Available"; PolyPhen-2: "Probably Damaging"; Align-GVGD: "Not Available"). This variant has not been reported in the literature in individuals affected with TMPRSS15-related conditions. This variant is not present in population databases (gnomAD no frequency). This sequence change replaces serine, which is neutral and polar, with phenylalanine, which is neutral and non-polar, at codon 813 of the TMPRSS15 protein (p.Ser813Phe).